The following is an entry in ClinVar:

ClinVar aggregate classification (germline): Uncertain significance. Review status: criteria provided, single submitter (1 of 4 stars). 2 submissions from 2 submitters: Uncertain significance (1). 1 of the submissions does not count toward it. Last evaluated 2024-01-02.

Conditions:
TBCD-related disorder. Also called: TBCD-related condition.

Allele frequency attached by ClinVar (database versions not stated): TOPMed below 0.00001; ExAC 0.00002.
gnomAD v4.1: 8 of 1,613,068 alleles (0.0005%); highest among the groups gnomAD compares: Admixed American, 0.0033%; no homozygotes.

Submissions (2):

Labcorp Genetics (formerly Invitae), Labcorp
Classification: Uncertain significance. Last evaluated: 2024-01-02. Review status: criteria provided, single submitter. Criteria: Invitae Variant Classification Sherloc (09022015). Collection method: clinical testing. Allele origin: germline.
Comment: This sequence change falls in intron 10 of the TBCD gene. It does not directly change the encoded amino acid sequence of the TBCD protein. It affects a nucleotide within the consensus splice site. This variant is present in population databases (rs749845593, gnomAD 0.009%). This variant has not been reported in the literature in individuals affected with TBCD-related conditions. ClinVar contains an entry for this variant (Variation ID: 2065112). Variants that disrupt the consensus splice site are a relatively common cause of aberrant splicing (PMID: 17576681, 9536098). Algorithms developed to predict the effect of sequence changes on RNA splicing suggest that this variant is not likely to affect RNA splicing. In summary, the available evidence is currently insufficient to determine the role of this variant in disease. Therefore, it has been classified as a Variant of Uncertain Significance.

PreventionGenetics, part of Exact Sciences
Classification: Likely benign for TBCD-related condition. Last evaluated: 2019-08-12. Review status: no assertion criteria provided. Collection method: clinical testing. Allele origin: germline. Not counted in ClinVar's aggregate classification.
Comment: This variant is classified as likely benign based on ACMG/AMP sequence variant interpretation guidelines (Richards et al. 2015 PMID: 25741868, with internal and published modifications).

Literature cited by the submitters: PubMed 17576681 (cited by Labcorp Genetics (formerly Invitae), Labcorp); PubMed 9536098 (cited by Labcorp Genetics (formerly Invitae), Labcorp).

NM_005993.5(TBCD):c.1087+4C>T

Gene: TBCD (tubulin folding cofactor D). Cytogenetic location: 17q25.3.
Variant type: single nucleotide variant.
Coding change: c.1087+4C>T on transcript NM_005993.5 (MANE Select); 4 bases into the intron after coding-DNA position 1087, C replaced by T.
Molecular consequence: intron variant.
Genome position (GRCh38, 1-based): chr17:82,806,015, C>T. VCF-style: chr17-82806015-C-T. GRCh37 (hg19) VCF-style: chr17-80763891-C-T.
Other names: c.1087+4C>T (NM_005993.4).
Identifiers: ClinVar variation 2065112 (VCV002065112.4), dbSNP rs749845593, ClinGen allele CA8861873.